The following is an entry in ClinVar:

ClinVar aggregate classification (germline): Uncertain significance (1 of 4 stars; one submission).

Conditions:
Hereditary cancer-predisposing syndrome. Also called: Neoplastic Syndromes, Hereditary; Tumor predisposition; Hereditary Cancer Syndrome; Hereditary neoplastic syndrome. Identifiers: Orphanet 140162, MedGen C0027672, MeSH D009386, MONDO:0015356.

Allele frequency attached by ClinVar (database versions not stated): gnomAD exomes below 0.00001.
gnomAD v4.1: 1 of 1,611,930 alleles (0.000062%); no homozygotes.

Submission:

Ambry Genetics
Classification: Uncertain significance for Hereditary cancer-predisposing syndrome. Last evaluated: 2022-01-18. Review status: criteria provided, single submitter. Criteria: Ambry Variant Classification Scheme 2023. Collection method: clinical testing. Allele origin: germline.
Comment: The p.H129N variant (also known as c.385C>A), located in coding exon 1 of the CDKN1B gene, results from a C to A substitution at nucleotide position 385. The histidine at codon 129 is replaced by asparagine, an amino acid with similar properties. This amino acid position is conserved. In addition, this alteration is predicted to be tolerated by in silico analysis. Since supporting evidence is limited at this time, the clinical significance of this alteration remains unclear.

NM_004064.5(CDKN1B):c.385C>A (p.His129Asn)

Gene: CDKN1B (cyclin dependent kinase inhibitor 1B; plus strand). Cytogenetic location: 12p13.1.
Variant type: single nucleotide variant.
Coding change: c.385C>A on transcript NM_004064.5 (MANE Select); coding-DNA position 385, C replaced by A.
Protein change: p.His129Asn; replaces histidine 129 with asparagine.
Molecular consequence: missense variant.
Genome position (GRCh38, 1-based): chr12:12,718,224, C>A. VCF-style: chr12-12718224-C-A. GRCh37 (hg19) VCF-style: chr12-12871158-C-A.
Other names: short protein forms H129N.
Identifiers: ClinVar variation 1735582 (VCV001735582.2), dbSNP rs1946497392, ClinGen allele CA383970546.